The following is an entry in ClinVar:

NM_000701.8(ATP1A1):c.490A>T (p.Met164Leu)

Gene: ATP1A1 (ATPase Na+/K+ transporting subunit alpha 1; plus strand). Cytogenetic location: 1p13.1.
Variant type: single nucleotide variant.
Coding change: c.490A>T on transcript NM_000701.8 (MANE Select); coding-DNA position 490, A replaced by T.
Protein change: p.Met164Leu; replaces methionine 164 with leucine.
Molecular consequence: missense variant.
Genome position (GRCh38, 1-based): chr1:116,388,233, A>T. VCF-style: chr1-116388233-A-T. GRCh37 (hg19) VCF-style: chr1-116930855-A-T.
Other names: p.Met164Leu; c.490A>T, p.Met164Leu (NM_001160233.2); c.397A>T, p.Met133Leu (NM_001160234.2); short protein forms M133L, M164L.
Identifiers: ClinVar variation 3255528 (VCV003255528.2).

ClinVar aggregate classification (germline): Uncertain significance (1 of 4 stars; one submission).

Conditions:
Charcot-Marie-tooth disease, axonal, type 2DD. Also called: CHARCOT-MARIE-TOOTH NEUROPATHY, TYPE 2DD. Identifiers: Orphanet 521414, MedGen C4747974, MONDO:0054833, OMIM 618036.

Submission:

Foundation for Research in Genetics and Endocrinology, FRIGE's Institute of Human Genetics
Classification: Uncertain significance for Charcot-Marie-tooth disease, axonal, type 2DD. Last evaluated: 2024-07-16. Review status: criteria provided, single submitter. Criteria: ACMG Guidelines, 2015. Collection method: clinical testing. Allele origin: germline. Inheritance: Autosomal dominant inheritance. Affected: yes. Observed: 1 heterozygote.
Comment: A heterozygous missense variation in exon 5 of the ATP1A1 gene that results in the amino acid substitution of Leucine for Methionine at codon 164 was detected. The observed variant c.490A>T (p.Met164Leu) has not been reported in the 1000 genomes, gnomAD (v3.1), gnomAD (v2.1), topmed and in our internal databases. The in-silico prediction# of the variant is damaging by LRT. The reference codon is conserved across species. In summary, the variant meets our criteria to be classified as a variant of uncertain significance.